The following is an entry in ClinVar:

ClinVar aggregate classification (germline): Likely pathogenic (1 of 4 stars; one submission).

Submission:

Labcorp Genetics (formerly Invitae), Labcorp
Classification: Likely pathogenic. Last evaluated: 2022-06-17. Review status: criteria provided, single submitter. Criteria: Invitae Variant Classification Sherloc (09022015). Collection method: clinical testing. Allele origin: germline.
Comment: In summary, the currently available evidence indicates that the variant is pathogenic, but additional data are needed to prove that conclusively. Therefore, this variant has been classified as Likely Pathogenic. This variant disrupts the DNA-binding domain of the REST protein, which is required for its repressor activity (PMID: 11145971, 16442230, 26551668). Experimental studies and prediction algorithms are not available or were not evaluated, and the functional significance of this variant is currently unknown. This variant has not been reported in the literature in individuals affected with REST-related conditions. This variant is not present in population databases (gnomAD no frequency). This sequence change creates a premature translational stop signal (p.Phe284Serfs*31) in the REST gene. While this is not anticipated to result in nonsense mediated decay, it is expected to disrupt the last 814 amino acid(s) of the REST protein.

Literature cited by the submitters: PubMed 11145971; PubMed 16442230; PubMed 26551668.

NM_005612.5(REST):c.851_866del (p.Phe284fs)

Gene: REST (RE1 silencing transcription factor; plus strand). Cytogenetic location: 4q12.
Variant type: Deletion.
Coding change: c.851_866del on transcript NM_005612.5 (MANE Select); coding-DNA positions 851 to 866, 16 bases deleted (TTTCAGACAGAAAAAA).
Protein change: p.Phe284fs; shifts the reading frame from phenylalanine 284.
Molecular consequence: frameshift variant.
Genome position (GRCh38, 1-based): chr4:56,911,489-56,911,504, TTTCAGACAGAAAAAA deleted. VCF-style (leftmost placement, unchanged base first): chr4-56911488-TTTTCAGACAGAAAAAA-T. GRCh37 (hg19) VCF-style: chr4-57777654-TTTTCAGACAGAAAAAA-T.
Other names: c.851_866del16, p.Phe284Serfs (NM_001193508.2, NM_001363453.3); short protein forms F284fs.
Identifiers: ClinVar variation 1951202 (VCV001951202.5), dbSNP rs2475801182, ClinGen allele CA2580071251.